The following is an entry in ClinVar:

NM_000059.4(BRCA2):c.3081C>G (p.Ser1027Arg)

Gene: BRCA2 (BRCA2 DNA repair associated; plus strand). Cytogenetic location: 13q13.1.
Variant type: single nucleotide variant.
Coding change: c.3081C>G on transcript NM_000059.4 (MANE Select); coding-DNA position 3081, C replaced by G.
Protein change: p.Ser1027Arg; replaces serine 1027 with arginine.
Molecular consequence: missense variant.
Genome position (GRCh38, 1-based): chr13:32,337,436, C>G. VCF-style: chr13-32337436-C-G. GRCh37 (hg19) VCF-style: chr13-32911573-C-G.
Other names: c.3081C>G, p.Ser1027Arg (NM_001406719.1, NM_001406720.1); short protein forms S1027R.
Identifiers: ClinVar variation 1727373 (VCV001727373.4), dbSNP rs1593898540, ClinGen allele CA387775218.

ClinVar aggregate classification (germline): Conflicting classifications of pathogenicity. Review status: criteria provided, conflicting classifications (1 of 4 stars). 2 submissions from 2 submitters: Uncertain significance (1); Likely benign (1). Last evaluated 2023-03-23.

Conditions:
Hereditary cancer-predisposing syndrome. Also called: Tumor predisposition; Neoplastic Syndromes, Hereditary; Hereditary Cancer Syndrome; Hereditary neoplastic syndrome. Identifiers: Orphanet 140162, MedGen C0027672, MeSH D009386, MONDO:0015356.

Submissions (2):

University of Washington Department of Laboratory Medicine, University of Washington
Classification: Likely benign for Hereditary cancer-predisposing syndrome. Last evaluated: 2023-03-23. Review status: criteria provided, single submitter. Criteria: Dines et al. (Genet Med. 2020). Collection method: curation. Allele origin: germline.
Comment: Missense variant in a coldspot region where missense variants are very unlikely to be pathogenic (PMID:31911673).

BRCA2 exon 11 coldspot. Reclassification based on statistical prior probability.

Ambry Genetics
Classification: Uncertain significance for Hereditary cancer-predisposing syndrome. Last evaluated: 2021-09-21. Review status: criteria provided, single submitter. Criteria: Ambry Variant Classification Scheme 2023. Collection method: clinical testing. Allele origin: germline.
Comment: The p.S1027R variant (also known as c.3081C>G), located in coding exon 10 of the BRCA2 gene, results from a C to G substitution at nucleotide position 3081. The serine at codon 1027 is replaced by arginine, an amino acid with dissimilar properties. This amino acid position is not well conserved in available vertebrate species. In addition, the in silico prediction for this alteration is inconclusive. Since supporting evidence is limited at this time, the clinical significance of this alteration remains unclear.